The following is an entry in ClinVar:

NM_001083619.3(GRIA2):c.1025T>C (p.Val342Ala)

Gene: GRIA2 (glutamate ionotropic receptor AMPA type subunit 2; plus strand). Cytogenetic location: 4q32.1.
Variant type: single nucleotide variant.
Coding change: c.1025T>C on transcript NM_001083619.3 (MANE Select); coding-DNA position 1025, T replaced by C.
Protein change: p.Val342Ala; replaces valine 342 with alanine.
Molecular consequence: missense variant.
Genome position (GRCh38, 1-based): chr4:157,332,961, T>C. VCF-style: chr4-157332961-T-C. GRCh37 (hg19) VCF-style: chr4-158254113-T-C.
Other names: c.1025T>C, p.Val342Ala (NM_000826.6); c.884T>C, p.Val295Ala (NM_001083620.3, NM_001379000.3, NM_001379001.3); short protein forms V295A, V342A.
Identifiers: ClinVar variation 1683514 (VCV001683514.2), dbSNP rs771056190, ClinGen allele CA3120297.

ClinVar aggregate classification (germline): Uncertain significance (1 of 4 stars; one submission).

Conditions:
Neurodevelopmental disorder with language impairment and behavioral abnormalities. Also called: GRIA2-related neurodevelopmental disorder. Identifiers: MedGen C5394502, MONDO:0030060, OMIM 618917.

Allele frequency attached by ClinVar (database versions not stated): gnomAD exomes below 0.00001; ExAC 0.00001.
gnomAD v4.1: 1 of 1,609,822 alleles (0.000062%); highest among the groups gnomAD compares: East Asian, 0.0022%; no homozygotes.

Submission:

Laboratorio de Genetica e Diagnostico Molecular, Hospital Israelita Albert Einstein
Classification: Uncertain significance for Neurodevelopmental disorder with language impairment and behavioral abnormalities. Last evaluated: 2022-01-07. Review status: criteria provided, single submitter. Criteria: ACMG Guidelines, 2015. Collection method: clinical testing. Allele origin: germline. Affected: yes.
Comment: ACMG classification criteria: PM2 moderate, PP2 supporting